The following is an entry in ClinVar:

ClinVar aggregate classification (germline): Conflicting classifications of pathogenicity. Review status: criteria provided, conflicting classifications (1 of 4 stars). 7 submissions from 7 submitters: Uncertain significance (5); Likely benign (1). 1 of the submissions does not count toward it. Last evaluated 2026-03-17.

Conditions:
Retinal dystrophy. Also called: Inherited retinal dystrophy. Identifiers: Orphanet 71862, MedGen C0854723, MeSH D058499, MONDO:0019118, HP:0000556.
Usher syndrome type 2A. Also called: USHER SYNDROME, TYPE IIA; RETINAL DISEASE IN USHER SYNDROME TYPE IIA, MODIFIER OF. Identifiers: Orphanet 231178, Orphanet 886, MedGen C1848634, MONDO:0010169, OMIM 276901.
USH2A-related disorder. Also called: USH2A-related condition; USH2A-related disorders. Identifiers: MedGen CN239332.

Allele frequency attached by ClinVar (database versions not stated): gnomAD 0.00001; gnomAD exomes 0.00001 and 0.00005; TOPMed 0.00003; ExAC 0.00006.
gnomAD v4.1: 22 of 1,613,942 alleles (0.0014%); highest among the groups gnomAD compares: East Asian, 0.045%; no homozygotes.

Submissions (7):

PreventionGenetics, part of Exact Sciences
Classification: Uncertain significance for USH2A-related condition. Last evaluated: 2026-03-17. Review status: criteria provided, single submitter. Criteria: ACMG Guidelines, 2015. Collection method: clinical testing. Allele origin: germline.
Comment: The USH2A c.14557A>G variant is predicted to result in the amino acid substitution p.Met4853Val. This variant has been reported in the compound heterozygous state or along with a second USH2A variant in individuals with USH2A-related conditions (Table S5, Rim et al. 2021. PubMed ID: 34519870; Kim et al. 2021. PubMed ID: 34721897; He et al. 2018. PubMed ID: 29178603; Chen et al. 2020. PubMed ID: 32893482). This variant is reported in 0.065% of alleles in individuals of East Asian descent in gnomAD. At this time, the clinical significance of this variant is uncertain due to the absence of conclusive functional and genetic evidence.

Labcorp Genetics (formerly Invitae), Labcorp
Classification: Likely benign. Last evaluated: 2024-10-21. Review status: criteria provided, single submitter. Criteria: Invitae Variant Classification Sherloc (09022015). Collection method: clinical testing. Allele origin: germline.

Blueprint Genetics
Classification: Uncertain significance. Last evaluated: 2024-08-23. Review status: criteria provided, single submitter. Criteria: ACMG Guidelines, 2015. Collection method: clinical testing. Allele origin: germline.

Dept Of Ophthalmology, Nagoya University
Classification: Uncertain significance for Retinal dystrophy. Last evaluated: 2023-10-01. Review status: criteria provided, single submitter. Criteria: Submitter's publication. Collection method: research. Allele origin: germline. Affected: yes.

Women's Health and Genetics/Laboratory Corporation of America, LabCorp
Classification: Uncertain significance. Last evaluated: 2023-04-26. Review status: criteria provided, single submitter. Criteria: LabCorp Variant Classification Summary - May 2015. Collection method: clinical testing. Allele origin: germline.
Comment: Variant summary: USH2A c.14557A>G (p.Met4853Val) results in a conservative amino acid change located in the fibronectin type III domain (IPR003961) of the encoded protein sequence. Five of five in-silico tools predict a benign effect of the variant on protein function. The variant allele was found at a frequency of 5.2e-05 in 251030 control chromosomes, predominantly at a frequency of 0.00065 within the East Asian subpopulation in the gnomAD database. This frequency is not significantly higher than estimated for a pathogenic variant in USH2A causing Usher Syndrome (5.2e-05 vs 0.011), allowing no conclusion about variant significance. c.14557A>G has been reported in the literature in individuals affected with deafness, retintis pigmentosa, and Usher Syndrome, without evidence for causality (e.g. He_2018, Chen_2020, Kim_2021). Therefore, these reports do not provide unequivocal conclusions about association of the variant with Usher Syndrome. To our knowledge, no experimental evidence demonstrating an impact on protein function has been reported. The following publications have been ascertained in the context of this evaluation (PMID: 32893482, 29178603, 33946315, 34721897). Four clinical diagnostic laboratories have submitted clinical-significance assessments for this variant to ClinVar after 2014 without evidence for independent evaluation and classified the variant as either VUS (n=3) or likely benign (n=1). Based on the evidence outlined above, the variant was classified as uncertain significance.

GeneDx
Classification: Uncertain significance. Last evaluated: 2020-12-04. Review status: criteria provided, single submitter. Criteria: GeneDx Variant Classification Process June 2021. Collection method: clinical testing. Allele origin: germline. Affected: yes.
Comment: In silico analysis supports that this missense variant does not alter protein structure/function; This variant is associated with the following publications: (PMID: 32893482, 29178603)

Natera, Inc.
Classification: Uncertain significance for Usher syndrome type 2A. Last evaluated: 2020-01-15. Review status: no assertion criteria provided. Collection method: clinical testing. Allele origin: germline. Not counted in ClinVar's aggregate classification.

Literature cited by the submitters: PubMed 29178603 (cited by Women's Health and Genetics/Laboratory Corporation of America, LabCorp); PubMed 33946315 (cited by Women's Health and Genetics/Laboratory Corporation of America, LabCorp); PubMed 34721897 (cited by Women's Health and Genetics/Laboratory Corporation of America, LabCorp); PubMed 32893482 (cited by Women's Health and Genetics/Laboratory Corporation of America, LabCorp).

NM_206933.4(USH2A):c.14557A>G (p.Met4853Val)

Gene: USH2A (usherin; minus strand). Cytogenetic location: 1q41.
Variant type: single nucleotide variant.
Coding change: c.14557A>G on transcript NM_206933.4 (MANE Select); coding-DNA position 14557, A replaced by G.
Protein change: p.Met4853Val; replaces methionine 4853 with valine.
Molecular consequence: missense variant.
Genome position (GRCh38, 1-based): chr1:215,648,553, T>C on the plus strand (A>G on the coding strand, the complement: USH2A is on the minus strand). VCF-style: chr1-215648553-T-C. GRCh37 (hg19) VCF-style: chr1-215821895-T-C.
Other names: short protein forms M4853V.
Identifiers: ClinVar variation 866574 (VCV000866574.15), dbSNP rs753594462, ClinGen allele CA1392996.
Genomic context (GRCh38, chr1:215,648,553, plus strand): 5'-TGTTAGTTTCTTCATCCTTCTGCCTGACCCATTACCTGTGAATGACACCATTGGGGAACA[T>C]GGGGGGACTCCACCGGAAGGAGGCCGTCCTTGAGGCCAGCGTCCCGATTTGTGGAGAGGA-3'
Protein context (NP_996816.3, residues 4843-4863): RTASFRWSPP[Met4853Val]FPNGVIHSYE